The following is an entry in ClinVar:

NM_001378457.1(DMXL2):c.8373G>A (p.Met2791Ile)

Gene: DMXL2 (Dmx like 2; minus strand). Cytogenetic location: 15q21.2.
Variant type: single nucleotide variant.
Coding change: c.8373G>A on transcript NM_001378457.1 (MANE Select); coding-DNA position 8373, G replaced by A.
Protein change: p.Met2791Ile; replaces methionine 2791 with isoleucine.
Molecular consequence: missense variant. On other transcripts: non-coding transcript variant (2).
Genome position (GRCh38, 1-based): chr15:51,456,334, C>T on the plus strand (G>A on the coding strand, the complement: DMXL2 is on the minus strand). VCF-style: chr15-51456334-C-T. GRCh37 (hg19) VCF-style: chr15-51748531-C-T.
Other names: c.8310G>A, p.Met2770Ile (NM_001174116.3); c.6399G>A, p.Met2133Ile (NM_001174117.3); c.8370G>A, p.Met2790Ile (NM_001378458.1); c.8085G>A, p.Met2695Ile (NM_001378459.1); c.6288G>A, p.Met2096Ile (NM_001378460.1); c.8307G>A, p.Met2769Ile (NM_015263.5); short protein forms M2096I, M2133I, M2695I, M2769I, M2770I, M2790I, M2791I.
Identifiers: ClinVar variation 1694748 (VCV001694748.31), dbSNP rs2141210690, ClinGen allele CA392434667.

ClinVar aggregate classification (germline): Uncertain significance (1 of 4 stars; one submission).

Submission:

CeGaT Center for Human Genetics Tuebingen
Classification: Uncertain significance. Last evaluated: 2022-05-01. Review status: criteria provided, single submitter. Criteria: CeGaT Center For Human Genetics Tuebingen Variant Classification Criteria Version 2. Collection method: clinical testing. Allele origin: germline. Affected: yes. Observed: 1 variant allele.
Comment: DMXL2: PM2